The following is an entry in ClinVar:

ClinVar aggregate classification (germline): Uncertain significance (1 of 4 stars; one submission).

Allele frequency attached by ClinVar (database versions not stated): TOPMed 0.00001.

Submission:

Labcorp Genetics (formerly Invitae), Labcorp
Classification: Uncertain significance. Last evaluated: 2022-01-05. Review status: criteria provided, single submitter. Criteria: Invitae Variant Classification Sherloc (09022015). Collection method: clinical testing. Allele origin: germline.
Comment: This sequence change replaces lysine, which is basic and polar, with asparagine, which is neutral and polar, at codon 282 of the ECHS1 protein (p.Lys282Asn). This variant is present in population databases (no rsID available, gnomAD 0.0009%). This variant has not been reported in the literature in individuals affected with ECHS1-related conditions. Advanced modeling of protein sequence and biophysical properties (such as structural, functional, and spatial information, amino acid conservation, physicochemical variation, residue mobility, and thermodynamic stability) performed at Invitae indicates that this missense variant is expected to disrupt ECHS1 protein function. In summary, the available evidence is currently insufficient to determine the role of this variant in disease. Therefore, it has been classified as a Variant of Uncertain Significance.

NM_004092.4(ECHS1):c.846G>C (p.Lys282Asn)

Gene: ECHS1 (enoyl-CoA hydratase, short chain 1; minus strand). Cytogenetic location: 10q26.3.
Variant type: single nucleotide variant.
Coding change: c.846G>C on transcript NM_004092.4 (MANE Select); coding-DNA position 846, G replaced by C.
Protein change: p.Lys282Asn; replaces lysine 282 with asparagine.
Molecular consequence: missense variant.
Genome position (GRCh38, 1-based): chr10:133,362,895, C>G on the plus strand (G>C on the coding strand, the complement: ECHS1 is on the minus strand). VCF-style: chr10-133362895-C-G. GRCh37 (hg19) VCF-style: chr10-135176399-C-G.
Other names: short protein forms K282N.
Identifiers: ClinVar variation 1481916 (VCV001481916.5), dbSNP rs781373718, ClinGen allele CA378816966.